The following is an entry in ClinVar:

ClinVar aggregate classification (germline): Uncertain significance (1 of 4 stars; one submission).

Allele frequency attached by ClinVar (database versions not stated): gnomAD 0.00001; gnomAD exomes 0.00002 and 0.00005; TOPMed 0.00002; ExAC 0.00003.
gnomAD v4.1: 16 of 1,613,516 alleles (0.00099%); highest among the groups gnomAD compares: Admixed American, 0.025%; no homozygotes.

Submission:

Women's Health and Genetics/Laboratory Corporation of America, LabCorp
Classification: Uncertain significance. Last evaluated: 2022-04-16. Review status: criteria provided, single submitter. Criteria: LabCorp Variant Classification Summary - May 2015. Collection method: clinical testing. Allele origin: germline.
Comment: Variant summary: PTCD3 c.719C>G (p.Ala240Gly) results in a non-conservative amino acid change in the encoded protein sequence. Three of five in-silico tools predict a benign effect of the variant on protein function. The variant allele was found at a frequency of 4.8e-05 in 250740 control chromosomes. This frequency does not allow conclusions about variant significance. To our knowledge, no occurrence of c.719C>G in individuals affected with Combined Oxidative Phosphorylation Deficiency 51 and no experimental evidence demonstrating its impact on protein function have been reported. No clinical diagnostic laboratories have submitted clinical-significance assessments for this variant to ClinVar after 2014. Based on the evidence outlined above, the variant was classified as uncertain significance.

NM_017952.6(PTCD3):c.719C>G (p.Ala240Gly)

Gene: PTCD3 (pentatricopeptide repeat domain 3; plus strand). Cytogenetic location: 2p11.2.
Variant type: single nucleotide variant.
Coding change: c.719C>G on transcript NM_017952.6 (MANE Select); coding-DNA position 719, C replaced by G.
Protein change: p.Ala240Gly; replaces alanine 240 with glycine.
Molecular consequence: missense variant.
Genome position (GRCh38, 1-based): chr2:86,124,997, C>G. VCF-style: chr2-86124997-C-G. GRCh37 (hg19) VCF-style: chr2-86352120-C-G.
Other names: short protein forms A240G.
Identifiers: ClinVar variation 1683360 (VCV001683360.1), dbSNP rs760231243, ClinGen allele CA1747211.